The following is an entry in ClinVar:

ClinVar aggregate classification (germline): Likely pathogenic (3 of 4 stars; one submission).

Conditions:
RPE65-related recessive retinopathy. Also called: Recessive RPE65 retinopathy. Identifiers: MedGen CN305526, MONDO:0100368.

Submission:

ClinGen Leber Congenital Amaurosis/early Onset Retinal Dystrophy Variant Curation Expert Panel, ClinGen
Classification: Likely pathogenic for RPE65-related recessive retinopathy. Last evaluated: 2026-06-23. Review status: reviewed by expert panel. Criteria: ClinGen LCAeoRD ACMG Specifications RPE65 V1.0.0. Collection method: curation. Allele origin: germline.
Comment: NM_000329.3(RPE65):c.393T>A (p.Asn131Lys) is a missense variant that replaces the asparagine at position p.131 with lysine. The computational predictor REVEL gives a score of 0.74, which is above the ClinGen LCA / eoRD VCEP threshold of ≥0.644 and predicts a damaging effect on RPE65 function (PP3). At least one proband harboring this variant exhibits a phenotype including significant, documented improvement of FST or other measure of dark-adapted vision after treatment with Luxturna or other RPE65 gene therapy (pts. 8). Before treatment patient had severely decreased rod electroretinogram (ERG) responses (pts 0.5), congenital night blindness (pts 0.5), clinical diagnosis of Leber congenital amaurosis (pts 0.5), minimal fundus autofluorescence (pts 2), optic nerve pallor (pts 0.5), pigmentary retinopathy with attenuated vessels (pts 0.5), poor pupillary light response (pts 0.5), macular atrophy (pts 0.5), symptomatic onset between birth and age five years (pts 1), OCT is preserved with respect to vision loss (pts 1), decreased peripheral vision (pts 1), abnormal color vision (pts 1), decreased central visual acuity (pts 1), and nystagmus (pts 1) which together are highly specific for RPE65-related recessive retinopathy (19.5 points, PMID: 35402056, PP4_Moderate). This variant is absent from gnomAD v4.1.0 (PM2_Supporting). This variant has been reported in at least 1 proband with early-onset severe retinal dystrophy who was compound heterozygous with the RPE65 c.304G>T, p.(Glu102Ter) variant confirmed in trans (1 points, PMID: 35402056), which was previously classified pathogenic by the ClinGen LCA / eoRD VCEP (1 total point, PM3). In summary, this variant meets the criteria to be classified as Likely Pathogenic for RPE65-related recessive retinopathy based on the ACMG/AMP criteria applied, as specified by the ClinGen LCA/eoRD VCEP: PM2_Supporting, PP4_Moderate, PM3, PP3. (VCEP specifications version 1.0.0; date of approval 09/21/2023).

NM_000329.3(RPE65):c.393T>A (p.Asn131Lys)

Gene: RPE65 (retinoid isomerohydrolase RPE65; minus strand). Cytogenetic location: 1p31.3.
Variant type: single nucleotide variant.
Coding change: c.393T>A on transcript NM_000329.3 (MANE Select); coding-DNA position 393, T replaced by A.
Protein change: p.Asn131Lys; replaces asparagine 131 with lysine.
Molecular consequence: missense variant.
Genome position (GRCh38, 1-based): chr1:68,444,633, A>T on the plus strand (T>A on the coding strand, the complement: RPE65 is on the minus strand). VCF-style: chr1-68444633-A-T. GRCh37 (hg19) VCF-style: chr1-68910316-A-T.
Other names: NM_000329.3:c.393T>A; c.285T>A, p.Asn95Lys (NM_001406853.1); c.117T>A, p.Asn39Lys (NM_001406856.1, NM_001406857.1); c.393T>A, p.Asn131Lys (NM_001406859.1, NM_001406860.1); short protein forms N131K, N39K, N95K.
Identifiers: ClinVar variation 4856783 (VCV004856783.1).